The following is an entry in ClinVar:

NM_000064.4(C3):c.3692A>C (p.Glu1231Ala)

Gene: C3 (complement C3; minus strand). Cytogenetic location: 19p13.3.
Variant type: single nucleotide variant.
Coding change: c.3692A>C on transcript NM_000064.4 (MANE Select); coding-DNA position 3692, A replaced by C.
Protein change: p.Glu1231Ala; replaces glutamic acid 1231 with alanine.
Molecular consequence: missense variant.
Genome position (GRCh38, 1-based): chr19:6,686,242, T>G on the plus strand (A>C on the coding strand, the complement: C3 is on the minus strand). VCF-style: chr19-6686242-T-G. GRCh37 (hg19) VCF-style: chr19-6686253-T-G.
Other names: short protein forms E1231A.
Identifiers: ClinVar variation 4280225 (VCV004280225.1).

ClinVar aggregate classification (germline): Uncertain significance (1 of 4 stars; one submission).

Conditions:
Complement component 3 deficiency. Identifiers: Orphanet 280133, MedGen C3151071, MONDO:0013417, OMIM 613779.
C3 glomerulonephritis. Also called: Nephropathy due to CFHR5 Deficiency; C3 GLOMERULOPATHY 3. Identifiers: Orphanet 329931, MedGen C4055342, MONDO:0013892, OMIM 614809.
Atypical hemolytic-uremic syndrome. Identifiers: Orphanet 2134, MedGen C2931788, MONDO:0016244.

Submission:

Genomenon, Inc
Classification: Uncertain significance for Complement component 3 deficiency; C3 glomerulonephritis; Atypical hemolytic-uremic syndrome. Last evaluated: 2025-09-30. Review status: criteria provided, single submitter. Criteria: Genomenon Sequence Variant Interpretation Standards. Collection method: curation. Allele origin: germline. Affected: no.
Comment: C3 p.Glu1231Ala (c.3692A>C) is a missense variant that changes the amino acid at residue 1231 from Glutamic acid to Alanine. This variant has been reported in the published literature (PMID:7868901). It is absent or not present at a significant frequency in gnomAD. In silico models agree that this variant is possibly or probably damaging. In conclusion, we classify C3 p.Glu1231Ala (c.3692A>C) as a variant of uncertain significance.

Literature cited by the submitters: PubMed 7868901.